The following is an entry in ClinVar:

ClinVar aggregate classification (germline): Conflicting classifications of pathogenicity. Review status: criteria provided, conflicting classifications (1 of 4 stars). 4 submissions from 4 submitters: Uncertain significance (3); Likely benign (1). Last evaluated 2025-11-15.

Conditions:
Inborn genetic diseases. Identifiers: MedGen C0950123, MeSH D030342.

Allele frequency attached by ClinVar (database versions not stated): ExAC 0.00016; 1000 Genomes Project 0.00020; TOPMed 0.00022; gnomAD 0.00026; ESP Exome Variant Server 0.00046; gnomAD exomes 0.00015; 1000 Genomes Project 30x 0.00016.
gnomAD v4.1: 539 of 1,608,228 alleles (0.034%); highest among the groups gnomAD compares: Non-Finnish European, 0.041%; no homozygotes.

Submissions (4):

Labcorp Genetics (formerly Invitae), Labcorp
Classification: Likely benign. Last evaluated: 2025-11-15. Review status: criteria provided, single submitter. Criteria: Invitae Variant Classification Sherloc (09022015). Collection method: clinical testing. Allele origin: germline.

GeneDx
Classification: Uncertain significance. Last evaluated: 2025-11-11. Review status: criteria provided, single submitter. Criteria: GeneDx Variant Classification Process June 2021. Collection method: clinical testing. Allele origin: germline. Affected: yes.
Comment: In silico analysis suggests that this missense variant does not alter protein structure/function; Has not been previously published as pathogenic or benign to our knowledge; This variant is associated with the following publications: (PMID: 27149842)

Ambry Genetics
Classification: Uncertain significance for Inborn genetic diseases. Last evaluated: 2021-12-06. Review status: criteria provided, single submitter. Criteria: Ambry Variant Classification Scheme 2023. Collection method: clinical testing. Allele origin: germline.
Comment: Unlikely to be causative of congenital contractures of the limbs and face, hypotonia and developmental delay (AD) Based on insufficient or conflicting evidence, the clinical significance of this alteration remains unclear.

CeGaT Center for Human Genetics Tuebingen
Classification: Uncertain significance. Last evaluated: 2019-08-01. Review status: criteria provided, single submitter. Criteria: CeGaT Center For Human Genetics Tuebingen Variant Classification Criteria Version 2. Collection method: clinical testing. Allele origin: germline. Affected: yes. Observed: 3 variant alleles.

NM_052867.4(NALCN):c.2242G>A (p.Ala748Thr)

Gene: NALCN (sodium leak channel, non-selective; minus strand). Cytogenetic location: 13q33.1.
Variant type: single nucleotide variant.
Coding change: c.2242G>A on transcript NM_052867.4 (MANE Select); coding-DNA position 2242, G replaced by A.
Protein change: p.Ala748Thr; replaces alanine 748 with threonine.
Molecular consequence: missense variant.
Genome position (GRCh38, 1-based): chr13:101,111,177, C>T on the plus strand (G>A on the coding strand, the complement: NALCN is on the minus strand). VCF-style: chr13-101111177-C-T. GRCh37 (hg19) VCF-style: chr13-101763528-C-T.
Other names: c.2329G>A, p.Ala777Thr (NM_001350748.2); c.2242G>A, p.Ala748Thr (NM_001350749.2); c.2155G>A, p.Ala719Thr (NM_001350750.2, NM_001350751.2); short protein forms A748T, A777T, A719T.
Identifiers: ClinVar variation 871884 (VCV000871884.53), dbSNP rs77946954, ClinGen allele CA7035778.
Genomic context (GRCh38, chr13:101,111,177, plus strand): 5'-GTATTTACCTGCGCTCTTGGCGGATATGATGCTGCACGCTGAGGATTGACCTCTCCTTTG[C>T]GGGCTGCCCCTCAAATGATCCGCTCAGCATGCGCTGTCGGGTGCAAGCTCTAGGAAAAAA-3'
Protein context (NP_443099.1, residues 738-758): MLSGSFEGQP[Ala748Thr]KERSILSVQH